The following is an entry in ClinVar:

NM_007294.3(BRCA1):c.4186-?_4357+?dup172

Gene: BRCA1 (BRCA1 DNA repair associated; minus strand). Cytogenetic location: 17q21.31.
Variant type: Duplication.
Coding change: c.4186-?_4357+?dup172 on transcript NM_007294.3.
Other names: c.4186-?_4357+?dup (LRG_292t1).
Identifiers: ClinVar variation 188222 (VCV000188222.3).

ClinVar aggregate classification (germline): Pathogenic. Review status: criteria provided, multiple submitters, no conflicts (2 of 4 stars). 4 submissions from 4 submitters: Pathogenic (4). Last evaluated 2017-04-20.

Conditions:
Hereditary breast ovarian cancer syndrome. Also called: Hereditary breast and ovarian cancer syndrome; Hereditary breast and ovarian cancer syndrome (HBOC); BRCA1- and BRCA2-Associated Hereditary Breast and Ovarian Cancer; Breast and ovarian cancer; Hereditary breast and ovarian cancer; Hereditary breast and/or ovarian cancer syndrome. Identifiers: Orphanet 145, MedGen C0677776, MeSH D061325, MONDO:0003582. Disease mechanism: loss of function.
Breast-ovarian cancer, familial, susceptibility to, 1 (BROVCA1). Also called: OVARIAN CANCER, SUSCEPTIBILITY TO; BRCA1 Hereditary Breast and Ovarian Cancer. Identifiers: Orphanet 145, MedGen C2676676, MONDO:0011450, OMIM 604370. Disease mechanism: loss of function.

Submissions (4):

Department of Pathology and Molecular Medicine, Queen's University
Classification: Pathogenic for Hereditary breast ovarian cancer syndrome. Last evaluated: 2017-04-20. Review status: criteria provided, single submitter. Criteria: ACMG Guidelines, 2015. Collection method: clinical testing. Allele origin: germline. Study: The Canadian Open Genetics Repository (COGR).

Labcorp Genetics (formerly Invitae), Labcorp
Classification: Pathogenic for Hereditary breast ovarian cancer syndrome. Last evaluated: 2017-01-21. Review status: criteria provided, single submitter. Criteria: Invitae Variant Classification Sherloc (09022015). Collection method: clinical testing. Allele origin: germline.
Comment: This sequence change is a gross duplication of the genomic region encompassing exon 12 of the BRCA1 gene. Although the exact position of the duplicated exon cannot be determined from this data, the duplicated copy of this region is likely in tandem and may result in an absent or disrupted protein product. Loss-of-function variants in BRCA1 are known to be pathogenic. Similar duplications of exon 12, also known as exon 13 in the literature, have been reported in individuals affected with hereditary breast and ovarian cancer (PMID: 12698193, 20616022). One particular exon 12 duplication is considered a common BRCA1 founder mutation present in diverse populations (PMID: 9915971, 10827109, 20232141, 15951973). For these reasons, this variant has been classified as Pathogenic.

Consortium of Investigators of Modifiers of BRCA1/2 (CIMBA), c/o University of Cambridge
Classification: Pathogenic for Breast-ovarian cancer, familial, susceptibility to, 1. Last evaluated: 2015-10-02. Review status: criteria provided, single submitter. Criteria: CIMBA Mutation Classification guidelines May 2016. Collection method: clinical testing. Allele origin: germline.

Department of Pathology and Laboratory Medicine, Sinai Health System
Classification: Pathogenic for Hereditary breast ovarian cancer syndrome. Review status: criteria provided, single submitter. Criteria: ACMG Guidelines, 2015. Collection method: clinical testing. Allele origin: germline. Affected: yes. Study: The Canadian Open Genetics Repository (COGR).